The following is an entry in ClinVar:

ClinVar aggregate classification (germline): Likely benign (1 of 4 stars; one submission).

gnomAD v4.1: 1 of 1,613,962 alleles (0.000062%); highest among the groups gnomAD compares: East Asian, 0.0022%; no homozygotes.

Submission:

CeGaT Center for Human Genetics Tuebingen
Classification: Likely benign. Last evaluated: 2026-05-01. Review status: criteria provided, single submitter. Criteria: CeGaT Center For Human Genetics Tuebingen Variant Classification Criteria Version 2. Collection method: clinical testing. Allele origin: germline. Affected: yes. Observed: 1 variant allele.
Comment: GOLGA2: BP4, BP7

NM_001366244.2(GOLGA2):c.192C>T (p.Cys64=)

Gene: GOLGA2 (golgin A2; minus strand). Cytogenetic location: 9q34.11.
Variant type: single nucleotide variant.
Coding change: c.192C>T on transcript NM_001366244.2 (MANE Select); coding-DNA position 192, C replaced by T.
Protein change: p.Cys64=; no amino-acid change (cysteine 64 retained).
Molecular consequence: synonymous variant.
Genome position (GRCh38, 1-based): chr9:128,273,865, G>A on the plus strand (C>T on the coding strand, the complement: GOLGA2 is on the minus strand). VCF-style: chr9-128273865-G-A. GRCh37 (hg19) VCF-style: chr9-131036144-G-A.
Other names: c.192C>T, p.Cys64= (NM_001366246.2, NM_001389695.2, NM_001389696.2 and 10 more transcripts).
Identifiers: ClinVar variation 4873586 (VCV004873586.2).